The following is an entry in ClinVar:

ClinVar aggregate classification (germline): Uncertain significance (1 of 4 stars; one submission).

Conditions:
DYRK1B-related disorder. Also called: DYRK1B-related condition.

gnomAD v4.1: 1 of 1,590,904 alleles (0.000063%); highest among the groups gnomAD compares: African/African-American, 0.0014%; no homozygotes.

Submission:

PreventionGenetics, part of Exact Sciences
Classification: Uncertain significance for DYRK1B-related condition. Last evaluated: 2025-11-07. Review status: criteria provided, single submitter. Criteria: ACMG Guidelines, 2015. Collection method: clinical testing. Allele origin: germline.
Comment: The DYRK1B c.1513C>G variant is predicted to result in the amino acid substitution p.Pro505Ala. To our knowledge, this variant has not been reported in the literature. This variant is reported in 0.0063% of alleles in individuals of African descent in gnomAD. At this time, the clinical significance of this variant is uncertain due to the absence of conclusive functional and genetic evidence.

NM_004714.3(DYRK1B):c.1513C>G (p.Pro505Ala)

Gene: DYRK1B (dual specificity tyrosine phosphorylation regulated kinase 1B; minus strand). Cytogenetic location: 19q13.2.
Variant type: single nucleotide variant.
Coding change: c.1513C>G on transcript NM_004714.3 (MANE Select); coding-DNA position 1513, C replaced by G.
Protein change: p.Pro505Ala; replaces proline 505 with alanine.
Molecular consequence: missense variant.
Genome position (GRCh38, 1-based): chr19:39,826,185, G>C on the plus strand (C>G on the coding strand, the complement: DYRK1B is on the minus strand). VCF-style: chr19-39826185-G-C. GRCh37 (hg19) VCF-style: chr19-40316825-G-C.
Other names: c.1393C>G, p.Pro465Ala (NM_006483.3); c.1429C>G, p.Pro477Ala (NM_006484.3); short protein forms P505A, P465A, P477A.
Identifiers: ClinVar variation 4990864 (VCV004990864.1).